The following is an entry in ClinVar:

ClinVar aggregate classification (germline): Uncertain significance. Review status: criteria provided, multiple submitters, no conflicts (2 of 4 stars). 3 submissions from 3 submitters: Uncertain significance (3). Last evaluated 2025-07-30.

Conditions:
Inborn genetic diseases. Identifiers: MedGen C0950123, MeSH D030342.
CHD2-related disorder. Also called: CHD2-related condition.
Developmental and epileptic encephalopathy 94 (DEE94). Also called: Epileptic encephalopathy, childhood-onset; CHD2-Related Neurodevelopmental Disorders. Identifiers: Orphanet 1942, Orphanet 2382, MedGen C3809278, MONDO:0014150, OMIM 615369.

Submissions (3):

PreventionGenetics, part of Exact Sciences
Classification: Uncertain significance for CHD2-related condition. Last evaluated: 2025-07-30. Review status: criteria provided, single submitter. Criteria: ACMG Guidelines, 2015. Collection method: clinical testing. Allele origin: germline.
Comment: The CHD2 c.1745C>A variant is predicted to result in the amino acid substitution p.Ser582Tyr. To our knowledge, this variant has not been reported in the literature or in a large population database (gnomAD), indicating this variant is rare. At this time, the clinical significance of this variant is uncertain due to the absence of conclusive functional and genetic evidence.

Ambry Genetics
Classification: Uncertain significance for Inborn genetic diseases. Last evaluated: 2024-10-17. Review status: criteria provided, single submitter. Criteria: Ambry Variant Classification Scheme 2023. Collection method: clinical testing. Allele origin: germline.
Comment: The c.1745C>A (p.S582Y) alteration is located in exon 15 (coding exon 14) of the CHD2 gene. This alteration results from a C to A substitution at nucleotide position 1745, causing the serine (S) at amino acid position 582 to be replaced by a tyrosine (Y). This variant was not reported in population-based cohorts in the Genome Aggregation Database (gnomAD). This amino acid position is not well conserved in available vertebrate species. This missense alteration is located in a region that has a low rate of benign missense variation (Lek, 2016; Firth, 2009). The in silico prediction for this alteration is inconclusive. Based on insufficient or conflicting evidence, the clinical significance of this alteration remains unclear.

Labcorp Genetics (formerly Invitae), Labcorp
Classification: Uncertain significance for Developmental and epileptic encephalopathy 94. Last evaluated: 2024-08-08. Review status: criteria provided, single submitter. Criteria: Invitae Variant Classification Sherloc (09022015). Collection method: clinical testing. Allele origin: germline.
Comment: This sequence change replaces serine, which is neutral and polar, with tyrosine, which is neutral and polar, at codon 582 of the CHD2 protein (p.Ser582Tyr). This variant is not present in population databases (gnomAD no frequency). This variant has not been reported in the literature in individuals affected with CHD2-related conditions. Advanced modeling of protein sequence and biophysical properties (such as structural, functional, and spatial information, amino acid conservation, physicochemical variation, residue mobility, and thermodynamic stability) performed at Invitae indicates that this missense variant is not expected to disrupt CHD2 protein function with a negative predictive value of 95%. In summary, the available evidence is currently insufficient to determine the role of this variant in disease. Therefore, it has been classified as a Variant of Uncertain Significance.

NM_001271.4(CHD2):c.1745C>A (p.Ser582Tyr)

Gene: CHD2 (chromodomain helicase DNA binding protein 2; plus strand). Cytogenetic location: 15q26.1.
Variant type: single nucleotide variant.
Coding change: c.1745C>A on transcript NM_001271.4 (MANE Select); coding-DNA position 1745, C replaced by A.
Protein change: p.Ser582Tyr; replaces serine 582 with tyrosine.
Molecular consequence: missense variant.
Genome position (GRCh38, 1-based): chr15:92,955,448, C>A. VCF-style: chr15-92955448-C-A. GRCh37 (hg19) VCF-style: chr15-93498678-C-A.
Other names: short protein forms S582Y.
Identifiers: ClinVar variation 3491936 (VCV003491936.4).